The following is an entry in ClinVar:

ClinVar aggregate classification (germline): Uncertain significance (1 of 4 stars; one submission).

gnomAD v4.1: 1 of 1,548,196 alleles (0.000065%); highest among the groups gnomAD compares: South Asian, 0.0012%; no homozygotes.

Submission:

CeGaT Center for Human Genetics Tuebingen
Classification: Uncertain significance. Last evaluated: 2024-11-01. Review status: criteria provided, single submitter. Criteria: CeGaT Center For Human Genetics Tuebingen Variant Classification Criteria Version 2. Collection method: clinical testing. Allele origin: germline. Affected: yes. Observed: 1 variant allele.
Comment: PIEZO1: PM2, BP5

NM_001142864.4(PIEZO1):c.4922T>G (p.Leu1641Arg)

Gene: PIEZO1 (piezo type mechanosensitive ion channel component 1 (Er blood group); minus strand). Cytogenetic location: 16q24.3.
Variant type: single nucleotide variant.
Coding change: c.4922T>G on transcript NM_001142864.4 (MANE Select); coding-DNA position 4922, T replaced by G.
Protein change: p.Leu1641Arg; replaces leucine 1641 with arginine.
Molecular consequence: missense variant.
Genome position (GRCh38, 1-based): chr16:88,722,251, A>C on the plus strand (T>G on the coding strand, the complement: PIEZO1 is on the minus strand). VCF-style: chr16-88722251-A-C. GRCh37 (hg19) VCF-style: chr16-88788659-A-C.
Other names: short protein forms L1641R.
Identifiers: ClinVar variation 3389906 (VCV003389906.14).